The following is an entry in ClinVar:

ClinVar aggregate classification (germline): Uncertain significance (1 of 4 stars; one submission).

gnomAD v4.1: 1 of 1,614,226 alleles (0.000062%); highest among the groups gnomAD compares: Non-Finnish European, 0.000085%; no homozygotes.

Submission:

Greenwood Genetic Center Diagnostic Laboratories, Greenwood Genetic Center
Classification: Uncertain significance. Last evaluated: 2024-05-17. Review status: criteria provided, single submitter. Criteria: ACMG Guidelines, 2015. Collection method: clinical testing. Allele origin: germline. Affected: yes.
Comment: Gene of Uncertain Significance

NM_005990.4(STK10):c.1450G>T (p.Asp484Tyr)

Gene: STK10 (serine/threonine kinase 10; minus strand). Cytogenetic location: 5q35.1.
Variant type: single nucleotide variant.
Coding change: c.1450G>T on transcript NM_005990.4 (MANE Select); coding-DNA position 1450, G replaced by T.
Protein change: p.Asp484Tyr; replaces aspartic acid 484 with tyrosine.
Molecular consequence: missense variant.
Genome position (GRCh38, 1-based): chr5:172,093,516, C>A on the plus strand (G>T on the coding strand, the complement: STK10 is on the minus strand). VCF-style: chr5-172093516-C-A. GRCh37 (hg19) VCF-style: chr5-171520520-C-A.
Other names: short protein forms D484Y.
Identifiers: ClinVar variation 3338510 (VCV003338510.1).